The following is an entry in ClinVar:

ClinVar aggregate classification (germline): Uncertain significance. Review status: criteria provided, multiple submitters, no conflicts (2 of 4 stars). 2 submissions from 2 submitters: Uncertain significance (2). Last evaluated 2025-09-22.

Conditions:
Inborn genetic diseases. Identifiers: MedGen C0950123, MeSH D030342.

Allele frequency attached by ClinVar (database versions not stated): gnomAD exomes 0.00001; TOPMed 0.00002.
gnomAD v4.1: 20 of 1,613,742 alleles (0.0012%); highest among the groups gnomAD compares: Admixed American, 0.0033%; no homozygotes.

Submissions (2):

Ambry Genetics
Classification: Uncertain significance for Inborn genetic diseases. Last evaluated: 2025-09-22. Review status: criteria provided, single submitter. Criteria: Ambry Variant Classification Scheme 2023. Collection method: clinical testing. Allele origin: germline.

Labcorp Genetics (formerly Invitae), Labcorp
Classification: Uncertain significance. Last evaluated: 2022-08-24. Review status: criteria provided, single submitter. Criteria: Invitae Variant Classification Sherloc (09022015). Collection method: clinical testing. Allele origin: germline.
Comment: In summary, the available evidence is currently insufficient to determine the role of this variant in disease. Therefore, it has been classified as a Variant of Uncertain Significance. Algorithms developed to predict the effect of sequence changes on RNA splicing suggest that this variant may disrupt the consensus splice site. Algorithms developed to predict the effect of missense changes on protein structure and function output the following: SIFT: "Tolerated"; PolyPhen-2: "Benign"; Align-GVGD: "Class C0". The alanine amino acid residue is found in multiple mammalian species, which suggests that this missense change does not adversely affect protein function. This variant has not been reported in the literature in individuals affected with VCAN-related conditions. This variant is present in population databases (no rsID available, gnomAD 0.003%). This sequence change replaces threonine, which is neutral and polar, with alanine, which is neutral and non-polar, at codon 1734 of the VCAN protein (p.Thr1734Ala).

NM_004385.5(VCAN):c.5200A>G (p.Thr1734Ala)

Genes: VCAN (versican; plus strand), VCAN-AS1 (VCAN antisense RNA 1; minus strand). Cytogenetic location: 5q14.3.
Variant type: single nucleotide variant.
Coding change: c.5200A>G on transcript NM_004385.5 (MANE Select); coding-DNA position 5200, A replaced by G.
Protein change: p.Thr1734Ala; replaces threonine 1734 with alanine.
Molecular consequence: missense variant. On other transcripts: intron variant (2).
Genome position (GRCh38, 1-based): chr5:83,538,203, A>G. VCF-style: chr5-83538203-A-G. GRCh37 (hg19) VCF-style: chr5-82834022-A-G.
Other names: c.5200A>G (NM_004385.4); c.2239A>G, p.Thr747Ala (NM_001164097.2); c.4004-7334A>G (NM_001164098.2); c.1043-7334A>G (NM_001126336.3); short protein forms T747A, T1734A.
Identifiers: ClinVar variation 2094974 (VCV002094974.5), dbSNP rs1203720187, ClinGen allele CA360309897.